The following is an entry in ClinVar:

NM_001042472.3(ABHD12):c.505C>G (p.Pro169Ala)

Gene: ABHD12 (abhydrolase domain containing 12, lysophospholipase; minus strand). Cytogenetic location: 20p11.21.
Variant type: single nucleotide variant.
Coding change: c.505C>G on transcript NM_001042472.3 (MANE Select); coding-DNA position 505, C replaced by G.
Protein change: p.Pro169Ala; replaces proline 169 with alanine.
Molecular consequence: missense variant.
Genome position (GRCh38, 1-based): chr20:25,320,236, G>C on the plus strand (C>G on the coding strand, the complement: ABHD12 is on the minus strand). VCF-style: chr20-25320236-G-C. GRCh37 (hg19) VCF-style: chr20-25300872-G-C.
Other names: c.505C>G, p.Pro169Ala (NM_015600.5); short protein forms P169A.
Identifiers: ClinVar variation 4810304 (VCV004810304.1).
Genomic context (GRCh38, chr20:25,320,236, plus strand): 5'-GATGATGGGCTCCTCTCCCTCACCTGGTACCTGCGTTCCCATGCAGGTACAGAATGATAG[G>C]GTGGCTGGAAGCCAAGGCATCCTCATACCACATCTGGTCTTTGCCTTGGGCGTTCTTCCA-3'
Protein context (NP_001035937.1, residues 159-179): WYEDALASSH[Pro169Ala]IILYLHGNAG

ClinVar aggregate classification (germline): Uncertain significance (1 of 4 stars; one submission).

gnomAD v4.1: 1 of 1,614,136 alleles (0.000062%); highest among the groups gnomAD compares: African/African-American, 0.0013%; no homozygotes.

Submission:

Labcorp Genetics (formerly Invitae), Labcorp
Classification: Uncertain significance. Last evaluated: 2025-12-25. Review status: criteria provided, single submitter. Criteria: Invitae Variant Classification Sherloc (09022015). Collection method: clinical testing. Allele origin: germline.
Comment: This sequence change replaces proline, which is neutral and non-polar, with alanine, which is neutral and non-polar, at codon 169 of the ABHD12 protein (p.Pro169Ala). This variant is not present in population databases (gnomAD no frequency). This variant has not been reported in the literature in individuals affected with ABHD12-related conditions. An algorithm developed to predict the effect of missense changes on protein structure and function outputs the following: PolyPhen-2: "Benign". The alanine amino acid residue is found in multiple mammalian species, which suggests that this missense change does not adversely affect protein function. In summary, the available evidence is currently insufficient to determine the role of this variant in disease. Therefore, it has been classified as a Variant of Uncertain Significance.